The following is an entry in ClinVar:

ClinVar aggregate classification (germline): Pathogenic (1 of 4 stars; one submission).

Conditions:
Cardiovascular phenotype. Identifiers: MedGen CN230736.

Submission:

Ambry Genetics
Classification: Pathogenic for Cardiovascular phenotype. Last evaluated: 2021-12-09. Review status: criteria provided, single submitter. Criteria: Ambry Variant Classification Scheme 2023. Collection method: clinical testing. Allele origin: germline.
Comment: The c.7374delG pathogenic mutation, located in coding exon 44 of the FLNC gene, results from a deletion of one nucleotide at nucleotide position 7374, causing a translational frameshift with a predicted alternate stop codon (p.E2458Dfs*71). This variant is considered to be rare based on population cohorts in the Genome Aggregation Database (gnomAD). This alteration is expected to result in loss of function by premature protein truncation or nonsense-mediated mRNA decay. As such, this alteration is interpreted as a disease-causing mutation.

Literature cited by the submitters: PubMed 33199334.

NM_001458.5(FLNC):c.7374del (p.Glu2458fs)

Genes: FLNC (filamin C; plus strand), FLNC-AS1 (FLNC antisense RNA 1; minus strand). Cytogenetic location: 7q32.1.
Variant type: Deletion.
Coding change: c.7374del on transcript NM_001458.5 (MANE Select); coding-DNA position 7374, one base deleted (G; older notation c.7374delG).
Protein change: p.Glu2458fs; shifts the reading frame from glutamic acid 2458.
Molecular consequence: frameshift variant.
Genome position (GRCh38, 1-based): chr7:128,856,640, G deleted. VCF-style (leftmost placement, unchanged base first): chr7-128856639-AG-A. GRCh37 (hg19) VCF-style: chr7-128496693-AG-A.
Other names: c.7275del, p.Glu2425fs (NM_001127487.2); short protein forms E2458fs, E2425fs.
Identifiers: ClinVar variation 1758581 (VCV001758581.2), dbSNP rs2536669819, ClinGen allele CA2580076584.